The following is an entry in ClinVar:

ClinVar aggregate classification (germline): Uncertain significance (1 of 4 stars; one submission).

Conditions:
Atrial fibrillation, familial, 18 (ATFB18). Identifiers: MedGen C4310636, MONDO:0015001, OMIM 617280.

Allele frequency attached by ClinVar (database versions not stated): gnomAD exomes below 0.00001; TOPMed below 0.00001.
gnomAD v4.1: 4 of 1,614,020 alleles (0.00025%); highest among the groups gnomAD compares: Non-Finnish European, 0.00034%; no homozygotes.

Submission:

Labcorp Genetics (formerly Invitae), Labcorp
Classification: Uncertain significance for Atrial fibrillation, familial, 18. Last evaluated: 2022-11-01. Review status: criteria provided, single submitter. Criteria: Invitae Variant Classification Sherloc (09022015). Collection method: clinical testing. Allele origin: germline.
Comment: In summary, the available evidence is currently insufficient to determine the role of this variant in disease. Therefore, it has been classified as a Variant of Uncertain Significance. Variants that disrupt the consensus splice site are a relatively common cause of aberrant splicing (PMID: 17576681, 9536098). Algorithms developed to predict the effect of sequence changes on RNA splicing suggest that this variant is not likely to affect RNA splicing. This variant has not been reported in the literature in individuals affected with MYL4-related conditions. This variant is not present in population databases (gnomAD no frequency). This sequence change falls in intron 6 of the MYL4 gene. It does not directly change the encoded amino acid sequence of the MYL4 protein. It affects a nucleotide within the consensus splice site.

Literature cited by the submitters: PubMed 17576681; PubMed 9536098.

NM_002476.2(MYL4):c.565+4T>C

Gene: MYL4 (myosin light chain 4; plus strand). Cytogenetic location: 17q21.32.
Variant type: single nucleotide variant.
Coding change: c.565+4T>C on transcript NM_002476.2 (MANE Select); 4 bases into the intron after coding-DNA position 565, T replaced by C.
Molecular consequence: intron variant.
Genome position (GRCh38, 1-based): chr17:47,222,461, T>C. VCF-style: chr17-47222461-T-C. GRCh37 (hg19) VCF-style: chr17-45299827-T-C.
Other names: c.565+4T>C (NM_001002841.2).
Identifiers: ClinVar variation 2711488 (VCV002711488.3), dbSNP rs995662299, ClinGen allele CA291225930.